The following is an entry in ClinVar:

ClinVar aggregate classification (germline): Pathogenic (1 of 4 stars; one submission).

Conditions:
Hereditary cancer-predisposing syndrome. Also called: Tumor predisposition; Hereditary Cancer Syndrome; Neoplastic Syndromes, Hereditary; Hereditary neoplastic syndrome. Identifiers: Orphanet 140162, MedGen C0027672, MeSH D009386, MONDO:0015356.

Submission:

Ambry Genetics
Classification: Pathogenic for Hereditary cancer-predisposing syndrome. Last evaluated: 2020-07-02. Review status: criteria provided, single submitter. Criteria: Ambry Variant Classification Scheme 2023. Collection method: clinical testing. Allele origin: germline.
Comment: The c.2800dupG pathogenic mutation, located in coding exon 4 of the MSH6 gene, results from a duplication of G at nucleotide position 2800, causing a translational frameshift with a predicted alternate stop codon (p.D934Gfs*3). This alteration is expected to result in loss of function by premature protein truncation or nonsense-mediated mRNA decay. As such, this alteration is interpreted as a disease-causing mutation.

NM_000179.3(MSH6):c.2800dup (p.Asp934fs)

Gene: MSH6 (mutS homolog 6; plus strand). Cytogenetic location: 2p16.3.
Variant type: Duplication.
Coding change: c.2800dup on transcript NM_000179.3 (MANE Select); coding-DNA position 2800, one base duplicated (G; older notation c.2800dupG).
Protein change: p.Asp934fs; shifts the reading frame from aspartic acid 934.
Molecular consequence: frameshift variant.
Genome position (GRCh38, 1-based): chr2:47,800,783, G duplicated. VCF-style (leftmost placement, unchanged base first): chr2-47800782-T-TG. GRCh37 (hg19) VCF-style: chr2-48027921-T-TG.
Other names: c.2410dup, p.Asp804fs (NM_001281492.2); c.1894dup, p.Asp632fs (NM_001281493.2, NM_001281494.2); c.2896dup, p.Asp966Glyfs (NM_001406795.1, NM_001406802.1); c.2800dup, p.Asp934Glyfs (NM_001406796.1, NM_001406798.1, NM_001406800.1 and 2 more transcripts); c.2503dup, p.Asp835Glyfs (NM_001406797.1, NM_001406801.1, NM_001406805.1 and 10 more transcripts); c.2275dup, p.Asp759Glyfs (NM_001406799.1, NM_001406806.1, NM_001406807.1); c.2722dup, p.Asp908Glyfs (NM_001406804.1); c.1894dup, p.Asp632Glyfs (NM_001406811.1, NM_001406812.1, NM_001406814.1 and 4 more transcripts); and 4 more; short protein forms D804fs, D632fs, D934fs.
Identifiers: ClinVar variation 1796218 (VCV001796218.2), dbSNP rs2530694093, ClinGen allele CA2580068071.
Genomic context (GRCh38, chr2:47,800,782, plus strand): 5'-TACAGCCTTTGACCATGAAAAGGCTCGAAAGACTGGACTTATTACTCCCAAAGCAGGCTT[T>TG]GACTCTGATTATGACCAAGCTCTTGCTGACATAAGAGAAAATGAACAGAGCCTCCTGGAA-3'